The following is an entry in ClinVar:

NM_001608.4(ACADL):c.799C>T (p.Arg267Trp)

Gene: ACADL (acyl-CoA dehydrogenase long chain; minus strand). Cytogenetic location: 2q34.
Variant type: single nucleotide variant.
Coding change: c.799C>T on transcript NM_001608.4 (MANE Select); coding-DNA position 799, C replaced by T.
Protein change: p.Arg267Trp; replaces arginine 267 with tryptophan.
Molecular consequence: missense variant.
Genome position (GRCh38, 1-based): chr2:210,204,652, G>A on the plus strand (C>T on the coding strand, the complement: ACADL is on the minus strand). VCF-style: chr2-210204652-G-A. GRCh37 (hg19) VCF-style: chr2-211069376-G-A.
Other names: short protein forms R267W.
Identifiers: ClinVar variation 973447 (VCV000973447.28), dbSNP rs200297060, ClinGen allele CA2084910.
Genomic context (GRCh38, chr2:210,204,652, plus strand): 5'-CTTTCATGATGTAATAGAAGCCTTTATTCTCTTCTCCAAGTAGGGCACTAGCTGGCAACC[G>A]TATATCTTCAAAGAATAGTTCTGCGGTATCCTAAGAGACCATACAAAAAATGTAGAGAAT-3'
Protein context (NP_001599.1, residues 257-277): DTAELFFEDI[Arg267Trp]LPASALLGEE

ClinVar aggregate classification (germline): Conflicting classifications of pathogenicity. Review status: criteria provided, conflicting classifications (1 of 4 stars). 3 submissions from 3 submitters: Uncertain significance (2); Likely benign (1). Last evaluated 2023-08-01.

Conditions:
Long chain acyl-CoA dehydrogenase deficiency. Also called: LCAD deficiency. Identifiers: MedGen C0220711, MONDO:0020531.

Allele frequency attached by ClinVar (database versions not stated): 1000 Genomes Project 0.00020; 1000 Genomes Project 30x 0.00031; ESP Exome Variant Server 0.00031; TOPMed 0.00043; gnomAD 0.00044 and 0.00049; ExAC 0.00059; gnomAD exomes 0.00059.
gnomAD v4.1: 969 of 1,612,070 alleles (0.06%); highest among the groups gnomAD compares: Middle Eastern, 0.21%; 5 homozygotes.

Submissions (3):

CeGaT Center for Human Genetics Tuebingen
Classification: Likely benign. Last evaluated: 2023-08-01. Review status: criteria provided, single submitter. Criteria: CeGaT Center For Human Genetics Tuebingen Variant Classification Criteria Version 2. Collection method: clinical testing. Allele origin: germline. Affected: yes. Observed: 2 variant alleles.
Comment: ACADL: BS2

Elsea Laboratory, Baylor College of Medicine
Classification: Uncertain significance. Last evaluated: 2020-04-01. Review status: criteria provided, single submitter. Criteria: ACMG Guidelines, 2015. Collection method: clinical testing. Allele origin: germline. Affected: no.

Breakthrough Genomics
Classification: Uncertain significance. Review status: criteria provided, single submitter. Criteria: ACMG Guidelines, 2015. Collection method: not provided. Allele origin: germline. Inheritance: Unknown mechanism. Affected: yes.